The following is an entry in ClinVar:

NM_014000.3(VCL):c.2950-50C>T

Gene: VCL (vinculin; plus strand). Cytogenetic location: 10q22.2.
Variant type: single nucleotide variant.
Coding change: c.2950-50C>T on transcript NM_014000.3 (MANE Select); 50 bases into the intron before coding-DNA position 2950, C replaced by T.
Molecular consequence: intron variant.
Genome position (GRCh38, 1-based): chr10:74,114,134, C>T. VCF-style: chr10-74114134-C-T. GRCh37 (hg19) VCF-style: chr10-75873892-C-T.
Other names: c.2746-50C>T (NM_003373.4).
Identifiers: ClinVar variation 672698 (VCV000672698.3), dbSNP rs10824072, ClinGen allele CA5563351.

ClinVar aggregate classification (germline): Benign. Review status: criteria provided, multiple submitters, no conflicts (2 of 4 stars). 3 submissions from 3 submitters: Benign (3). Last evaluated 2026-09-21.

Allele frequency attached by ClinVar (database versions not stated): TOPMed 0.49827; ExAC 0.50329; gnomAD exomes 0.50331 and 0.55116; gnomAD 0.50702 and 0.51206; 1000 Genomes Project 0.40096; 1000 Genomes Project 30x 0.40787; ESP Exome Variant Server 0.52960.
gnomAD v4.1: 876,795 of 1,603,280 alleles (55%); highest among the groups gnomAD compares: Middle Eastern, 65%; 245,603 homozygotes.

Submissions (3):

Molecular Diagnostic Laboratory for Inherited Cardiovascular Disease, Montreal Heart Institute
Classification: Benign. Last evaluated: 2026-09-21. Review status: criteria provided, single submitter. Criteria: ACMG Guidelines, 2015. Collection method: clinical testing. Allele origin: germline. Affected: no.
Comment: BA1

GeneDx
Classification: Benign. Last evaluated: 2018-06-14. Review status: criteria provided, single submitter. Criteria: GeneDx Variant Classification (06012015). Collection method: clinical testing. Allele origin: germline. Affected: yes.
Comment: This variant is considered likely benign or benign based on one or more of the following criteria: it is a conservative change, it occurs at a poorly conserved position in the protein, it is predicted to be benign by multiple in silico algorithms, and/or has population frequency not consistent with disease.

Breakthrough Genomics
Classification: Benign. Review status: criteria provided, single submitter. Criteria: ACMG Guidelines, 2015. Collection method: not provided. Allele origin: germline. Inheritance: Autosomal dominant inheritance. Affected: yes.